The following is an entry in ClinVar:

ClinVar aggregate classification (germline): Pathogenic (1 of 4 stars; one submission).

Conditions:
Megacystis-microcolon-intestinal hypoperistalsis syndrome 5. Identifiers: MedGen C5543636, MONDO:0030329, OMIM 619431.

Submission:

Institute of Human Genetics, University of Goettingen
Classification: Pathogenic for Megacystis-microcolon-intestinal hypoperistalsis syndrome 5. Last evaluated: 2024-10-09. Review status: criteria provided, single submitter. Criteria: ACMG Guidelines, 2015. Collection method: clinical testing. Allele origin: de novo. Inheritance: Autosomal dominant inheritance. Affected: yes. Observed: 1 heterozygote.
Comment: The variant c.413A>G (p.(Gln138Arg)) in exon 5 of the ACTG2-gene is not found in the gnomAD database, it affects a highly conserved nucleotide, and a highly conserved amino acid and there is a small physicochemical difference between Gln and Arg. This variant has a pathogenic computational verdict based on in silico prediction algorithms. Missense variants in ACTG2 are a known mechanism of disease based on Z-score of 4.36 (gnomAD v.4.1.1). ACMG criteria used for classification: PS2, PP3_STR, PM2_SUP, PP2, PP4.

NM_001615.4(ACTG2):c.413A>G (p.Gln138Arg)

Gene: ACTG2 (actin gamma 2, smooth muscle; plus strand). Cytogenetic location: 2p13.1.
Variant type: single nucleotide variant.
Coding change: c.413A>G on transcript NM_001615.4 (MANE Select); coding-DNA position 413, A replaced by G.
Protein change: p.Gln138Arg; replaces glutamine 138 with arginine.
Molecular consequence: missense variant.
Genome position (GRCh38, 1-based): chr2:73,909,101, A>G. VCF-style: chr2-73909101-A-G. GRCh37 (hg19) VCF-style: chr2-74136228-A-G.
Other names: c.284A>G, p.Gln95Arg (NM_001199893.2); short protein forms Q138R, Q95R.
Identifiers: ClinVar variation 3362785 (VCV003362785.2).
Genomic context (GRCh38, chr2:73,909,101, plus strand): 5'-CATTGTCCTTTAAGATCATGTTTGAAACCTTCAATGTCCCTGCCATGTACGTCGCCATTC[A>G]AGCTGTGCTCTCCCTCTATGCCTCTGGCCGCACGACAGGTGAGTAATCCTGTAATCCATT-3'
Protein context (NP_001606.1, residues 128-148): FNVPAMYVAI[Gln138Arg]AVLSLYASGR